The following is an entry in ClinVar:

NM_016038.4(SBDS):c.647G>C (p.Cys216Ser)

Gene: SBDS (SBDS ribosome maturation factor; minus strand). Cytogenetic location: 7q11.21.
Variant type: single nucleotide variant.
Coding change: c.647G>C on transcript NM_016038.4 (MANE Select); coding-DNA position 647, G replaced by C.
Protein change: p.Cys216Ser; replaces cysteine 216 with serine.
Molecular consequence: missense variant.
Genome position (GRCh38, 1-based): chr7:66,988,477, C>G on the plus strand (G>C on the coding strand, the complement: SBDS is on the minus strand). VCF-style: chr7-66988477-C-G. GRCh37 (hg19) VCF-style: chr7-66453464-C-G.
Other names: short protein forms C216S.
Identifiers: ClinVar variation 5029031 (VCV005029031.1).

ClinVar aggregate classification (germline): Uncertain significance (1 of 4 stars; one submission).

Conditions:
Inborn genetic diseases. Identifiers: MedGen C0950123, MeSH D030342.

Submission:

Ambry Genetics
Classification: Uncertain significance for Inborn genetic diseases. Last evaluated: 2026-07-28. Review status: criteria provided, single submitter. Criteria: Ambry Variant Classification Scheme 2023. Collection method: clinical testing. Allele origin: germline.
Comment: The p.C216S variant (also known as c.647G>C), located in coding exon 5 of the SBDS gene, results from a G to C substitution at nucleotide position 647. The cysteine at codon 216 is replaced by serine, an amino acid with dissimilar properties. This amino acid position is conserved. In addition, the in silico prediction for this alteration is inconclusive. Based on the available evidence, the clinical significance of this variant remains unclear.